The following is an entry in ClinVar:

ClinVar aggregate classification (germline): Uncertain significance. Review status: criteria provided, multiple submitters, no conflicts (2 of 4 stars). 2 submissions from 2 submitters: Uncertain significance (2). Last evaluated 2025-11-17.

Conditions:
Thromboembolism. Identifiers: MedGen C0040038, HP:0001907.
Congenital factor V deficiency. Also called: LABILE FACTOR DEFICIENCY; Hereditary factor V deficiency disease; OWREN PARAHEMOPHILIA; PARAHEMOPHILIA. Identifiers: Orphanet 326, MedGen C0015499, MONDO:0009210, OMIM 227400.

Allele frequency attached by ClinVar (database versions not stated): gnomAD exomes 0.00001; ExAC 0.00002; TOPMed 0.00002; gnomAD 0.00003.

Submissions (2):

Labcorp Genetics (formerly Invitae), Labcorp
Classification: Uncertain significance for Congenital factor V deficiency. Last evaluated: 2025-11-17. Review status: criteria provided, single submitter. Criteria: Invitae Variant Classification Sherloc (09022015). Collection method: clinical testing. Allele origin: germline.
Comment: This sequence change replaces arginine, which is basic and polar, with glutamine, which is neutral and polar, at codon 1621 of the F5 protein (p.Arg1621Gln). This variant is present in population databases (rs764766417, gnomAD 0.008%). This variant has not been reported in the literature in individuals affected with F5-related conditions. ClinVar contains an entry for this variant (Variation ID: 627078). Invitae Evidence Modeling of protein sequence and biophysical properties (such as structural, functional, and spatial information, amino acid conservation, physicochemical variation, residue mobility, and thermodynamic stability) indicates that this missense variant is not expected to disrupt F5 protein function with a negative predictive value of 80%. In summary, the available evidence is currently insufficient to determine the role of this variant in disease. Therefore, it has been classified as a Variant of Uncertain Significance.

NIHR Bioresource Rare Diseases, University of Cambridge
Classification: Uncertain significance for Thromboembolism. Last evaluated: 2019-02-01. Review status: criteria provided, single submitter. Criteria: ACMG Guidelines, 2015. Collection method: research. Allele origin: unknown. Affected: yes. Observed: 1 heterozygote. Study: ThromboGenomics.

Literature cited by the submitters: PubMed 31064749 (cited by NIHR Bioresource Rare Diseases, University of Cambridge).

NM_000130.5(F5):c.4862G>A (p.Arg1621Gln)

Gene: F5 (coagulation factor V; minus strand). Cytogenetic location: 1q24.2.
Variant type: single nucleotide variant.
Coding change: c.4862G>A on transcript NM_000130.5 (MANE Select); coding-DNA position 4862, G replaced by A.
Protein change: p.Arg1621Gln; replaces arginine 1621 with glutamine.
Molecular consequence: missense variant.
Genome position (GRCh38, 1-based): chr1:169,536,615, C>T on the plus strand (G>A on the coding strand, the complement: F5 is on the minus strand). VCF-style: chr1-169536615-C-T. GRCh37 (hg19) VCF-style: chr1-169505853-C-T.
Other names: short protein forms R1621Q.
Identifiers: ClinVar variation 627078 (VCV000627078.3), dbSNP rs764766417, ClinGen allele CA1233626.